The following is an entry in ClinVar:

ClinVar aggregate classification (germline): Uncertain significance (1 of 4 stars; one submission).

Conditions:
Benign neonatal seizures. Also called: Convulsions benign familial neonatal dominant form; Autosomal dominant form of benign neonatal seizures; Benign familial neonatal seizures; Benign neonatal familial convulsions; Benign familial neonatal epilepsy. Identifiers: Orphanet 1949, MedGen C0220669, MONDO:0016027.

Allele frequency attached by ClinVar (database versions not stated): gnomAD exomes below 0.00001 and 0.00001; TOPMed below 0.00001; gnomAD 0.00002.
gnomAD v4.1: 11 of 1,613,656 alleles (0.00068%); highest among the groups gnomAD compares: African/African-American, 0.0013%; no homozygotes.

Submission:

Labcorp Genetics (formerly Invitae), Labcorp
Classification: Uncertain significance for Benign neonatal seizures. Last evaluated: 2024-11-18. Review status: criteria provided, single submitter. Criteria: Invitae Variant Classification Sherloc (09022015). Collection method: clinical testing. Allele origin: germline.
Comment: This sequence change replaces threonine, which is neutral and polar, with asparagine, which is neutral and polar, at codon 150 of the KCNQ3 protein (p.Thr150Asn). This variant is present in population databases (no rsID available, gnomAD 0.004%). This variant has not been reported in the literature in individuals affected with KCNQ3-related conditions. ClinVar contains an entry for this variant (Variation ID: 579229). Invitae Evidence Modeling of protein sequence and biophysical properties (such as structural, functional, and spatial information, amino acid conservation, physicochemical variation, residue mobility, and thermodynamic stability) indicates that this missense variant is not expected to disrupt KCNQ3 protein function with a negative predictive value of 80%. In summary, the available evidence is currently insufficient to determine the role of this variant in disease. Therefore, it has been classified as a Variant of Uncertain Significance.

NM_004519.4(KCNQ3):c.449C>A (p.Thr150Asn)

Gene: KCNQ3 (potassium voltage-gated channel subfamily Q member 3; minus strand). Cytogenetic location: 8q24.22.
Variant type: single nucleotide variant.
Coding change: c.449C>A on transcript NM_004519.4 (MANE Select); coding-DNA position 449, C replaced by A.
Protein change: p.Thr150Asn; replaces threonine 150 with asparagine.
Molecular consequence: missense variant.
Genome position (GRCh38, 1-based): chr8:132,186,119, G>T on the plus strand (C>A on the coding strand, the complement: KCNQ3 is on the minus strand). VCF-style: chr8-132186119-G-T. GRCh37 (hg19) VCF-style: chr8-133198366-G-T.
Other names: c.89C>A, p.Thr30Asn (NM_001204824.2); short protein forms T150N, T30N.
Identifiers: ClinVar variation 579229 (VCV000579229.8), dbSNP rs974274243, ClinGen allele CA186224617.
Genomic context (GRCh38, chr8:132,186,119, plus strand): 5'-CCAGAAGCATTTACCCCAGAATGCAATCTTACCAGTAACAGAAGCCAGTCTCCCGAGACA[G>T]TCTCATACTCCTTGAATGTGGTCAGGACAGCCAGAATCAAGCACCCCAGGACAATCAGGA-3'
Protein context (NP_004510.1, residues 140-160): AVLTTFKEYE[Thr150Asn]VSGDWLLLLE